The following is an entry in ClinVar:

NC_000016.10:g.780806C>A

Variant type: single nucleotide variant.
Genome position: GRCh38 VCF-style: chr16-780806-C-A. GRCh37 (hg19) VCF-style: chr16-830806-C-A.
Identifiers: ClinVar variation 4821319 (VCV004821319.4).

ClinVar aggregate classification (germline): Likely benign (1 of 4 stars; one submission).

Submission:

CeGaT Center for Human Genetics Tuebingen
Classification: Likely benign. Last evaluated: 2026-02-01. Review status: criteria provided, single submitter. Criteria: CeGaT Center For Human Genetics Tuebingen Variant Classification Criteria Version 2. Collection method: clinical testing. Allele origin: germline. Affected: yes. Observed: 1 variant allele.
Comment: MSLNL: BP4, BP7